The following is an entry in ClinVar:

ClinVar aggregate classification (germline): Uncertain significance. Review status: criteria provided, multiple submitters, no conflicts (2 of 4 stars). 2 submissions from 2 submitters: Uncertain significance (2). Last evaluated 2026-08-22.

Conditions:
Cardiovascular phenotype. Identifiers: MedGen CN230736.

gnomAD v4.1: 3 of 1,526,062 alleles (0.0002%); highest among the groups gnomAD compares: Non-Finnish European, 0.00017%; no homozygotes.

Submissions (2):

Ambry Genetics
Classification: Uncertain significance for Cardiovascular phenotype. Last evaluated: 2026-08-22. Review status: criteria provided, single submitter. Criteria: Ambry Variant Classification Scheme 2023. Collection method: clinical testing. Allele origin: germline.
Comment: The p.P1078L variant (also known as c.3233C>T), located in coding exon 2 of the ZNF469 gene, results from a C to T substitution at nucleotide position 3233. The proline at codon 1078 is replaced by leucine, an amino acid with similar properties. This amino acid position is conserved. In addition, this alteration is predicted to be tolerated by in silico analysis. Based on the available evidence, the clinical significance of this variant remains unclear.

Women's Health and Genetics/Laboratory Corporation of America, LabCorp
Classification: Uncertain significance. Last evaluated: 2026-04-14. Review status: criteria provided, single submitter. Criteria: LabCorp Variant Classification Summary - May 2015. Collection method: clinical testing. Allele origin: germline.
Comment: Variant summary: ZNF469 c.3317C>T (p.Pro1106Leu) results in a non-conservative amino acid change in the encoded protein sequence. Algorithms developed to predict the effect of missense changes on protein structure and function are either unavailable or do not agree on the potential impact of this missense change. The variant allele was found at a frequency of 1.6e-05 in 121762 control chromosomes. The available data on variant occurrences in the general population are insufficient to allow any conclusion about variant significance. To our knowledge, no occurrence of c.3317C>T in individuals affected with ZNF469-related conditions and no experimental evidence demonstrating its impact on protein function have been reported. No submitters have cited clinical-significance assessments for this variant to ClinVar. Based on the evidence outlined above, the variant was classified as uncertain significance.

NM_001367624.2(ZNF469):c.3317C>T (p.Pro1106Leu)

Gene: ZNF469 (zinc finger protein 469; plus strand). Cytogenetic location: 16q24.2.
Variant type: single nucleotide variant.
Coding change: c.3317C>T on transcript NM_001367624.2 (MANE Select); coding-DNA position 3317, C replaced by T.
Protein change: p.Pro1106Leu; replaces proline 1106 with leucine.
Molecular consequence: missense variant.
Genome position (GRCh38, 1-based): chr16:88,430,787, C>T. VCF-style: chr16-88430787-C-T. GRCh37 (hg19) VCF-style: chr16-88497195-C-T.
Other names: NM_001127464.1:c.3233C>T; short protein forms P1106L.
Identifiers: ClinVar variation 4848584 (VCV004848584.2).